The following is an entry in ClinVar:

NM_015459.5(ATL3):c.1490G>T (p.Arg497Leu)

Genes: ATL3 (atlastin GTPase 3; minus strand), LNCROPM (lncRNA regulator of PLAAT3 mediated phospholipid metabolism; plus strand). Cytogenetic location: 11q13.1.
Variant type: single nucleotide variant.
Coding change: c.1490G>T on transcript NM_015459.5 (MANE Select); coding-DNA position 1490, G replaced by T.
Protein change: p.Arg497Leu; replaces arginine 497 with leucine.
Molecular consequence: missense variant.
Genome position (GRCh38, 1-based): chr11:63,631,089, C>A on the plus strand (G>T on the coding strand, the complement: ATL3 is on the minus strand). VCF-style: chr11-63631089-C-A. GRCh37 (hg19) VCF-style: chr11-63398561-C-A.
Other names: c.1436G>T, p.Arg479Leu (NM_001290048.2); short protein forms R497L, R479L.
Identifiers: ClinVar variation 848511 (VCV000848511.9), dbSNP rs1326950681, ClinGen allele CA381024832.
Genomic context (GRCh38, chr11:63,631,089, plus strand): 5'-GCACCACTTACCTGCTCCAACACATATGCGGCACCAAAATCAATAGCTCCGCCCAGCTCA[C>A]GATATTGACCAGAATACCTGATGTAGCCCCAGGTGAGGAGTGCTATTAACAGTAGTCCAA-3'
Protein context (NP_056274.3, residues 487-507): WGYIRYSGQY[Arg497Leu]ELGGAIDFGA

ClinVar aggregate classification (germline): Uncertain significance (1 of 4 stars; one submission).

Conditions:
Neuropathy, hereditary sensory, type 1F. Also called: Hereditary sensory neuropathy type IF; HSN IF. Identifiers: Orphanet 36386, MedGen C3810194, MONDO:0014286, OMIM 615632.

Allele frequency attached by ClinVar (database versions not stated): gnomAD exomes below 0.00001.
gnomAD v4.1: 16 of 1,614,066 alleles (0.00099%); highest among the groups gnomAD compares: Non-Finnish European, 0.0013%; no homozygotes.

Submission:

Labcorp Genetics (formerly Invitae), Labcorp
Classification: Uncertain significance for Neuropathy, hereditary sensory, type 1F. Last evaluated: 2025-04-17. Review status: criteria provided, single submitter. Criteria: Invitae Variant Classification Sherloc (09022015). Collection method: clinical testing. Allele origin: germline.
Comment: This sequence change replaces arginine, which is basic and polar, with leucine, which is neutral and non-polar, at codon 497 of the ATL3 protein (p.Arg497Leu). This variant is present in population databases (no rsID available, gnomAD 0.0009%). This missense change has been observed in individual(s) with clinical features of ATL3-related conditions (internal data). ClinVar contains an entry for this variant (Variation ID: 848511). An algorithm developed to predict the effect of missense changes on protein structure and function (PolyPhen-2) suggests that this variant is likely to be tolerated. In summary, the available evidence is currently insufficient to determine the role of this variant in disease. Therefore, it has been classified as a Variant of Uncertain Significance.